The following is an entry in ClinVar:

ClinVar aggregate classification (germline): Likely pathogenic (1 of 4 stars; one submission).

Conditions:
Marfan syndrome (MFS). Also called: MARFAN SYNDROME, TYPE I; Marfan syndrome type 1; Marfan's syndrome; FBN1-Related Marfan Syndrome; Marfan syndrome, classic. Identifiers: Orphanet 284963, Orphanet 558, MedGen C0024796, MONDO:0007947, OMIM 154700.

Submission:

Juno Genomics, Hangzhou Juno Genomics, Inc
Classification: Likely pathogenic for Marfan syndrome. Review status: criteria provided, single submitter. Criteria: ACMG Guidelines, 2015. Collection method: clinical testing. Allele origin: germline. Affected: yes.
Comment: Absent from controls (or at extremely low frequency if recessive) in Genome Aggregation Database, Exome Sequencing Project, 1000 Genomes Project, or Exome Aggregation Consortium.;Null variant in a gene where loss of function (LOF) is a known mechanism of disease.;The prevalence of the variant in affected individuals is significantly increased compared to the prevalence in controls.;Patient's phenotype or family history is highly specific for a disease with a single genetic etiology.;Co-segregation with disease in multiple affected family members in a gene definitively known to cause the disease.

NM_000138.5(FBN1):c.8547T>G (p.Tyr2849Ter)

Gene: FBN1 (fibrillin 1; minus strand). Cytogenetic location: 15q21.1.
Variant type: single nucleotide variant.
Coding change: c.8547T>G on transcript NM_000138.5 (MANE Select); coding-DNA position 8547, T replaced by G.
Protein change: p.Tyr2849Ter; replaces tyrosine 2849 with a stop codon.
Molecular consequence: nonsense.
Genome position (GRCh38, 1-based): chr15:48,411,059, A>C on the plus strand (T>G on the coding strand, the complement: FBN1 is on the minus strand). VCF-style: chr15-48411059-A-C. GRCh37 (hg19) VCF-style: chr15-48703256-A-C.
Other names: c.8547T>G, p.Tyr2849Ter (NM_001406716.1); short protein forms Y2849*.
Identifiers: ClinVar variation 3381954 (VCV003381954.2).